The following is an entry in ClinVar:

ClinVar aggregate classification (germline): Likely benign (0 of 4 stars; one submission).

Conditions:
DDX10-related disorder. Also called: DDX10-related condition.

Allele frequency attached by ClinVar (database versions not stated): ExAC 0.00030; gnomAD 0.00095; TOPMed 0.00110; 1000 Genomes Project 0.00140; 1000 Genomes Project 30x 0.00156; ESP Exome Variant Server 0.00162.
gnomAD v4.1: 273 of 1,608,594 alleles (0.017%); highest among the groups gnomAD compares: African/African-American, 0.35%; no homozygotes.

Submissions (3):

PreventionGenetics, part of Exact Sciences
Classification: Likely benign for DDX10-related condition. Last evaluated: 2022-02-10. Review status: no assertion criteria provided. Collection method: clinical testing. Allele origin: germline.
Comment: This variant is classified as likely benign based on ACMG/AMP sequence variant interpretation guidelines (Richards et al. 2015 PMID: 25741868, with internal and published modifications).

Dr. Peter K. Rogan Lab, Western University
No classification provided (evidence only). Condition: Familial cancer of breast. Review status: no classification provided. Collection method: in vitro. Allele origin: not applicable. Functional consequence: retained intron. Not counted in ClinVar's aggregate classification.

Dr. Peter K. Rogan Lab, Western University
No classification provided (evidence only). Condition: Familial cancer of breast. Review status: no classification provided. Collection method: in vitro. Allele origin: not applicable. Functional consequence: retained intron. Not counted in ClinVar's aggregate classification.

NM_004398.4(DDX10):c.1964A>G (p.Gln655Arg)

Gene: DDX10 (DEAD-box helicase 10; plus strand). Cytogenetic location: 11q22.3.
Variant type: single nucleotide variant.
Coding change: c.1964A>G on transcript NM_004398.4 (MANE Select); coding-DNA position 1964, A replaced by G.
Protein change: p.Gln655Arg; replaces glutamine 655 with arginine.
Molecular consequence: missense variant.
Genome position (GRCh38, 1-based): chr11:108,723,461, A>G. VCF-style: chr11-108723461-A-G. GRCh37 (hg19) VCF-style: chr11-108594188-A-G.
Other names: NC_000011.9:g.108594188A>G; short protein forms Q655R.
Identifiers: ClinVar variation 3043585 (VCV003043585.3), dbSNP rs150262284, ClinGen allele CA6269019.
Genomic context (GRCh38, chr11:108,723,461, plus strand): 5'-TCTTGAAGGTGAAGCGGCATAATGTGTTTGGATTGGACCTTAAAGACGAGAAAACATTAC[A>G]GGTAAGTTTACTCCCAGTGGAGGGTCTTCTATTACATTGTCTTACTATGTGCTTATTGTT-3'
Protein context (NP_004389.2, residues 645-665): GLDLKDEKTL[Gln655Arg]KKEPSKSSIK